The following is an entry in ClinVar:

NM_001283009.2(RTEL1):c.2090G>T (p.Arg697Leu)

Genes: RTEL1 (regulator of telomere elongation helicase 1; plus strand), RTEL1-TNFRSF6B (RTEL1-TNFRSF6B readthrough (NMD candidate); plus strand). Cytogenetic location: 20q13.33.
Variant type: single nucleotide variant.
Coding change: c.2090G>T on transcript NM_001283009.2 (MANE Select); coding-DNA position 2090, G replaced by T.
Protein change: p.Arg697Leu; replaces arginine 697 with leucine.
Molecular consequence: missense variant. On other transcripts: non-coding transcript variant (1).
Genome position (GRCh38, 1-based): chr20:63,689,814, G>T. VCF-style: chr20-63689814-G-T. GRCh37 (hg19) VCF-style: chr20-62321167-G-T.
Other names: p.Arg721Leu; c.1421G>T, p.Arg474Leu (NM_001283010.1); c.2090G>T, p.Arg697Leu (NM_016434.4); c.2162G>T, p.Arg721Leu (NM_032957.5); c.2162G>T (NM_032957.4); short protein forms R474L, R697L, R721L.
Identifiers: ClinVar variation 1446669 (VCV001446669.7), dbSNP rs1176364985, ClinGen allele CA409679237.
Genomic context (GRCh38, chr20:63,689,814, plus strand): 5'-TCTCTGGGCAGGAGTGGTACCGGCAGCAGGCGTCCAGGGCTGTGAACCAGGCCATCGGGC[G>T]AGTGATCCGGCACCGCCAGGACTACGGAGCTGTCTTCCTCTGTGACCACAGGTGCGTGCA-3'
Protein context (NP_001269938.1, residues 687-707): ASRAVNQAIG[Arg697Leu]VIRHRQDYGA

ClinVar aggregate classification (germline): Uncertain significance. Review status: criteria provided, multiple submitters, no conflicts (2 of 4 stars). 3 submissions from 3 submitters: Uncertain significance (3). Last evaluated 2024-10-20.

Conditions:
Dyskeratosis congenita, autosomal recessive 5 (DKCB5). Identifiers: MedGen C3554656, MONDO:0014076, OMIM 615190.
Pulmonary fibrosis and/or bone marrow failure, Telomere-related, 3. Also called: PULMONARY FIBROSIS AND/OR BONE MARROW FAILURE SYNDROME, TELOMERE-RELATED, 3. Identifiers: Orphanet 2032, MedGen C4225346, MONDO:0014613, OMIM 616373.
Inborn genetic diseases. Identifiers: MedGen C0950123, MeSH D030342.

Allele frequency attached by ClinVar (database versions not stated): TOPMed below 0.00001; gnomAD 0.00001.

Submissions (3):

Ambry Genetics
Classification: Uncertain significance for Inborn genetic diseases. Last evaluated: 2024-10-20. Review status: criteria provided, single submitter. Criteria: Ambry Variant Classification Scheme 2023. Collection method: clinical testing. Allele origin: germline.

Mayo Clinic Laboratories, Mayo Clinic
Classification: Uncertain significance. Last evaluated: 2024-01-08. Review status: criteria provided, single submitter. Criteria: ACMG Guidelines, 2015. Collection method: clinical testing. Allele origin: germline. Observed: 1 variant allele.
Comment: PP3, PM2

Labcorp Genetics (formerly Invitae), Labcorp
Classification: Uncertain significance for Dyskeratosis congenita, autosomal recessive 5; Pulmonary fibrosis and/or bone marrow failure, Telomere-related, 3. Last evaluated: 2021-08-28. Review status: criteria provided, single submitter. Criteria: Invitae Variant Classification Sherloc (09022015). Collection method: clinical testing. Allele origin: germline.
Comment: This sequence change replaces arginine with leucine at codon 697 of the RTEL1 protein (p.Arg697Leu). The arginine residue is highly conserved and there is a moderate physicochemical difference between arginine and leucine. This variant is not present in population databases (ExAC no frequency). This variant has not been reported in the literature in individuals affected with RTEL1-related conditions. Algorithms developed to predict the effect of missense changes on protein structure and function (SIFT, PolyPhen-2, Align-GVGD) all suggest that this variant is likely to be disruptive. In summary, the available evidence is currently insufficient to determine the role of this variant in disease. Therefore, it has been classified as a Variant of Uncertain Significance.